The following is an entry in ClinVar:

NM_004329.3(BMPR1A):c.389G>C (p.Cys130Ser)

Gene: BMPR1A (bone morphogenetic protein receptor type 1A; plus strand). Cytogenetic location: 10q23.2.
Variant type: single nucleotide variant.
Coding change: c.389G>C on transcript NM_004329.3 (MANE Select); coding-DNA position 389, G replaced by C.
Protein change: p.Cys130Ser; replaces cysteine 130 with serine.
Molecular consequence: missense variant.
Genome position (GRCh38, 1-based): chr10:86,899,849, G>C. VCF-style: chr10-86899849-G-C. GRCh37 (hg19) VCF-style: chr10-88659606-G-C.
Other names: short protein forms C130S.
Identifiers: ClinVar variation 216582 (VCV000216582.10), dbSNP rs863224720, ClinGen allele CA339100.

ClinVar aggregate classification (germline): Uncertain significance (1 of 4 stars; one submission).

Conditions:
Juvenile polyposis syndrome (JPS). Identifiers: Orphanet 2929, MedGen C0345893, MONDO:0017380, OMIM 174900.

Submission:

Labcorp Genetics (formerly Invitae), Labcorp
Classification: Uncertain significance for Juvenile polyposis syndrome. Last evaluated: 2023-05-10. Review status: criteria provided, single submitter. Criteria: Invitae Variant Classification Sherloc (09022015). Collection method: clinical testing. Allele origin: germline.
Comment: This missense change has been observed in individuals with juvenile polyposis syndrome (Invitae). In summary, the available evidence is currently insufficient to determine the role of this variant in disease. Therefore, it has been classified as a Variant of Uncertain Significance. Advanced modeling of protein sequence and biophysical properties (such as structural, functional, and spatial information, amino acid conservation, physicochemical variation, residue mobility, and thermodynamic stability) has been performed at Invitae for this missense variant, however the output from this modeling did not meet the statistical confidence thresholds required to predict the impact of this variant on BMPR1A protein function. ClinVar contains an entry for this variant (Variation ID: 216582). This variant is not present in population databases (gnomAD no frequency). This sequence change replaces cysteine, which is neutral and slightly polar, with serine, which is neutral and polar, at codon 130 of the BMPR1A protein (p.Cys130Ser).